The following is an entry in ClinVar:

ClinVar aggregate classification (germline): Pathogenic (1 of 4 stars; one submission).

Conditions:
Cohen syndrome (COH1). Also called: PEPPER SYNDROME; Cutis verticis gyrata, retinitis pigmentosa, and sensorineural deafness. Identifiers: Orphanet 193, MedGen C0265223, MONDO:0008999, OMIM 216550.

Submission:

Labcorp Genetics (formerly Invitae), Labcorp
Classification: Pathogenic for Cohen syndrome. Last evaluated: 2025-10-02. Review status: criteria provided, single submitter. Criteria: Invitae Variant Classification Sherloc (09022015). Collection method: clinical testing. Allele origin: germline.
Comment: This sequence change creates a premature translational stop signal (p.Leu21*) in the VPS13B gene. It is expected to result in an absent or disrupted protein product. Loss-of-function variants in VPS13B are known to be pathogenic (PMID: 15141358, 16648375, 20461111). This variant is not present in population databases (gnomAD no frequency). This premature translational stop signal has been observed in individual(s) with Cohen syndrome (PMID: 31825161). For these reasons, this variant has been classified as Pathogenic.

Literature cited by the submitters: PubMed 15141358; PubMed 16648375; PubMed 20461111; PubMed 31825161.

NM_152564.5(VPS13B):c.62T>G (p.Leu21Ter)

Gene: VPS13B (vacuolar protein sorting 13 homolog B; plus strand). Cytogenetic location: 8q22.2.
Variant type: single nucleotide variant.
Coding change: c.62T>G on transcript NM_152564.5 (MANE Select); coding-DNA position 62, T replaced by G.
Protein change: p.Leu21Ter; replaces leucine 21 with a stop codon.
Molecular consequence: nonsense. On other transcripts: non-coding transcript variant (1).
Genome position (GRCh38, 1-based): chr8:99,013,850, T>G. VCF-style: chr8-99013850-T-G. GRCh37 (hg19) VCF-style: chr8-100026078-T-G.
Other names: c.62T>G, p.Leu21Ter (NM_015243.3, NM_017890.5, NM_181661.3); short protein forms L21*.
Identifiers: ClinVar variation 4695071 (VCV004695071.1).
Genomic context (GRCh38, chr8:99,013,850, plus strand): 5'-TGCTGGAGTCATATGTAACTCCAATTTTAATGAGCTATGTGAATCGCTACATCAAGAACT[T>G]AAAGCCGTCGGATCTACAGCTTTCACTATGGGGTGGAGACGTGGTACTCAGCAAGCTCGA-3'